The following is an entry in ClinVar:

NM_014272.5(ADAMTS7):c.4515C>T (p.Pro1505=)

Gene: ADAMTS7 (ADAM metallopeptidase with thrombospondin type 1 motif 7; minus strand). Cytogenetic location: 15q25.1.
Variant type: single nucleotide variant.
Coding change: c.4515C>T on transcript NM_014272.5 (MANE Select); coding-DNA position 4515, C replaced by T.
Protein change: p.Pro1505=; no amino-acid change (proline 1505 retained).
Molecular consequence: synonymous variant.
Genome position (GRCh38, 1-based): chr15:78,764,004, G>A on the plus strand (C>T on the coding strand, the complement: ADAMTS7 is on the minus strand). VCF-style: chr15-78764004-G-A. GRCh37 (hg19) VCF-style: chr15-79056346-G-A.
Identifiers: ClinVar variation 2645615 (VCV002645615.24), dbSNP rs371317043, ClinGen allele CA7685449.
Genomic context (GRCh38, chr15:78,764,004, plus strand): 5'-GTACCAGCTGAGGCAGGGCTGGGCCCCGCAGGGCCGGTGCGCAGGCGGCTTGGCAGGCCC[G>A]GGCTGACAATGGAAGGGCCGCAGTGGCCGGAGGTCCCGTGTGTCCACACACTGCACGTCC-3'
Protein context (NP_055087.2, residues 1495-1515): LRPLRPFHCQ[Pro1505=]GPAKPPAHRP

ClinVar aggregate classification (germline): Likely benign (1 of 4 stars; one submission).

Allele frequency attached by ClinVar (database versions not stated): gnomAD 0.00068; TOPMed 0.00074; 1000 Genomes Project 30x 0.00078; ExAC 0.00079; 1000 Genomes Project 0.00080; ESP Exome Variant Server 0.00113.

Submission:

CeGaT Center for Human Genetics Tuebingen
Classification: Likely benign. Last evaluated: 2022-07-01. Review status: criteria provided, single submitter. Criteria: CeGaT Center For Human Genetics Tuebingen Variant Classification Criteria Version 2. Collection method: clinical testing. Allele origin: germline. Affected: yes. Observed: 1 variant allele.
Comment: ADAMTS7: BP4, BP7